The following is an entry in ClinVar:

ClinVar aggregate classification (germline): Uncertain significance. Review status: criteria provided, multiple submitters, no conflicts (2 of 4 stars). 2 submissions from 2 submitters: Uncertain significance (2). Last evaluated 2025-05-01.

Conditions:
Central core myopathy (CMYO1A). Also called: CONGENITAL MYOPATHY 1A, AUTOSOMAL DOMINANT, WITH SUSCEPTIBILITY TO MALIGNANT HYPERTHERMIA; Central core disease; Myopathy, central fibrillar. Identifiers: Orphanet 597, MedGen C5830701, MONDO:0007294, OMIM 117000.

gnomAD v4.1: 1 of 1,415,634 alleles (0.000071%); no homozygotes.

Submissions (2):

CeGaT Center for Human Genetics Tuebingen
Classification: Uncertain significance. Last evaluated: 2025-05-01. Review status: criteria provided, single submitter. Criteria: CeGaT Center For Human Genetics Tuebingen Variant Classification Criteria Version 2. Collection method: clinical testing. Allele origin: germline. Affected: yes. Observed: 1 variant allele.
Comment: RYR1: PM2, PP3

MVZ Medizinische Genetik Mainz
Classification: Uncertain significance for Central core myopathy. Last evaluated: 2022-03-04. Review status: criteria provided, single submitter. Criteria: UK Practice Guidelines For Variant Classification V4 01 2020. Collection method: clinical testing. Allele origin: germline. Inheritance: Autosomal dominant inheritance. Affected: yes. Observed: 1 variant allele.
Comment: ACMG Criteria: PM2_SUP, PP3 (ACMG Version 3)

NM_000540.3(RYR1):c.13363G>A (p.Gly4455Arg)

Gene: RYR1 (ryanodine receptor 1; plus strand). Cytogenetic location: 19q13.2.
Variant type: single nucleotide variant.
Coding change: c.13363G>A on transcript NM_000540.3 (MANE Select); coding-DNA position 13363, G replaced by A.
Protein change: p.Gly4455Arg; replaces glycine 4455 with arginine.
Molecular consequence: missense variant.
Genome position (GRCh38, 1-based): chr19:38,565,697, G>A. VCF-style: chr19-38565697-G-A. GRCh37 (hg19) VCF-style: chr19-39056337-G-A.
Other names: c.13348G>A, p.Gly4450Arg (NM_001042723.2); short protein forms G4450R, G4455R.
Identifiers: ClinVar variation 3066373 (VCV003066373.11), dbSNP rs2514681962, ClinGen allele CA405675257.